The following is an entry in ClinVar:

ClinVar aggregate classification (germline): Uncertain significance (1 of 4 stars; one submission).

Conditions:
Amyotrophic lateral sclerosis type 1 (ALS1). Also called: AMYOTROPHIC LATERAL SCLEROSIS 1, FAMILIAL. Identifiers: Orphanet 803, MedGen C1862939, MONDO:0007103, OMIM 105400.
Neuronopathy, distal hereditary motor, type 7B. Also called: HMN VIIB; LOWER MOTOR NEURON DISEASE, DYNACTIN TYPE; NEURONOPATHY, DISTAL HEREDITARY MOTOR, AUTOSOMAL DOMINANT 14; NEURONOPATHY, DISTAL HEREDITARY MOTOR, HARDING TYPE VIIB; NEUROPATHY, DISTAL HEREDITARY MOTOR, HARDING TYPE VIIB; NEUROPATHY, DISTAL HEREDITARY MOTOR, WITH VOCAL CORD PARALYSIS, HARDING TYPE VIIB. Identifiers: Orphanet 139589, MedGen C1843315, MONDO:0011879, OMIM 607641.
Perry syndrome. Also called: PARKINSONISM WITH ALVEOLAR HYPOVENTILATION AND MENTAL DEPRESSION. Identifiers: Orphanet 178509, MedGen C1868594, MONDO:0008201, OMIM 168605.

gnomAD v4.1: 1 of 1,614,240 alleles (0.000062%); highest among the groups gnomAD compares: Non-Finnish European, 0.000085%; no homozygotes.

Submission:

Labcorp Genetics (formerly Invitae), Labcorp
Classification: Uncertain significance for Amyotrophic lateral sclerosis type 1; Neuronopathy, distal hereditary motor, type 7B; Perry syndrome. Last evaluated: 2024-09-02. Review status: criteria provided, single submitter. Criteria: Invitae Variant Classification Sherloc (09022015). Collection method: clinical testing. Allele origin: germline.
Comment: This sequence change replaces lysine, which is basic and polar, with threonine, which is neutral and polar, at codon 944 of the DCTN1 protein (p.Lys944Thr). This variant is not present in population databases (gnomAD no frequency). This variant has not been reported in the literature in individuals affected with DCTN1-related conditions. Invitae Evidence Modeling of protein sequence and biophysical properties (such as structural, functional, and spatial information, amino acid conservation, physicochemical variation, residue mobility, and thermodynamic stability) indicates that this missense variant is not expected to disrupt DCTN1 protein function with a negative predictive value of 80%. In summary, the available evidence is currently insufficient to determine the role of this variant in disease. Therefore, it has been classified as a Variant of Uncertain Significance.

NM_004082.5(DCTN1):c.2831A>C (p.Lys944Thr)

Gene: DCTN1 (dynactin subunit 1; minus strand). Cytogenetic location: 2p13.1.
Variant type: single nucleotide variant.
Coding change: c.2831A>C on transcript NM_004082.5 (MANE Select); coding-DNA position 2831, A replaced by C.
Protein change: p.Lys944Thr; replaces lysine 944 with threonine.
Molecular consequence: missense variant. On other transcripts: non-coding transcript variant (1).
Genome position (GRCh38, 1-based): chr2:74,365,948, T>G on the plus strand (A>C on the coding strand, the complement: DCTN1 is on the minus strand). VCF-style: chr2-74365948-T-G. GRCh37 (hg19) VCF-style: chr2-74593075-T-G.
Other names: c.2771A>C, p.Lys924Thr (NM_001135040.3); c.2429A>C, p.Lys810Thr (NM_001135041.3, NM_023019.4); c.2720A>C, p.Lys907Thr (NM_001190836.2); c.2810A>C, p.Lys937Thr (NM_001190837.2); c.2780A>C, p.Lys927Thr (NM_001378991.1); c.2762A>C, p.Lys921Thr (NM_001378992.1); short protein forms K810T, K907T, K921T, K924T, K927T, K937T, K944T.
Identifiers: ClinVar variation 3758618 (VCV003758618.2).
Genomic context (GRCh38, chr2:74,365,948, plus strand): 5'-CTCACCTTAATCTTGAGTGACTTCTTCAACTCCTTAATAACTGTCTCTCGATCTTCGAGC[T>G]TCAAACCCAGGCCTTCAGCATCTGTGATCTCTGCACGAAGGGCAGCAGCCCGCAGTTCAA-3'
Protein context (NP_004073.2, residues 934-954): EITDAEGLGL[Lys944Thr]LEDRETVIKE